The following is an entry in ClinVar:

ClinVar aggregate classification (germline): Benign. Review status: criteria provided, multiple submitters, no conflicts (2 of 4 stars). 2 submissions from 2 submitters: Benign (2). Last evaluated 2018-06-14.

Allele frequency attached by ClinVar (database versions not stated): gnomAD exomes 0.65126 and 0.67809; TOPMed 0.65730; gnomAD 0.65741 and 0.66129; 1000 Genomes Project 30x 0.68894; 1000 Genomes Project 0.69189; ExAC 0.71143.
gnomAD v4.1: 968,867 of 1,484,926 alleles (65%); highest among the groups gnomAD compares: East Asian, 83%; 317,708 homozygotes.

Submissions (2):

GeneDx
Classification: Benign. Last evaluated: 2018-06-14. Review status: criteria provided, single submitter. Criteria: GeneDx Variant Classification (06012015). Collection method: clinical testing. Allele origin: germline. Affected: yes.
Comment: This variant is considered likely benign or benign based on one or more of the following criteria: it is a conservative change, it occurs at a poorly conserved position in the protein, it is predicted to be benign by multiple in silico algorithms, and/or has population frequency not consistent with disease.

Breakthrough Genomics
Classification: Benign. Review status: criteria provided, single submitter. Criteria: ACMG Guidelines, 2015. Collection method: not provided. Allele origin: germline. Inheritance: Autosomal recessive inheritance. Affected: yes.

NM_002936.6(RNASEH1):c.128+255T>C

Gene: RNASEH1 (ribonuclease H1; minus strand). Cytogenetic location: 2p25.3.
Variant type: single nucleotide variant.
Coding change: c.128+255T>C on transcript NM_002936.6 (MANE Select); 255 bases into the intron after coding-DNA position 128, T replaced by C.
Molecular consequence: intron variant.
Genome position (GRCh38, 1-based): chr2:3,557,878, A>G on the plus strand (T>C on the coding strand, the complement: RNASEH1 is on the minus strand). VCF-style: chr2-3557878-A-G. GRCh37 (hg19) VCF-style: chr2-3605468-A-G.
Other names: c.128+255T>C (NM_001378272.1, NM_001378273.1, NM_001378271.1); c.50+255T>C (NM_001286834.3); c.-224+17T>C (NM_001286837.3).
Identifiers: ClinVar variation 683668 (VCV000683668.2), dbSNP rs12711976, ClinGen allele CA1516421.